The following is an entry in ClinVar:

ClinVar aggregate classification (germline): Likely benign. Review status: criteria provided, multiple submitters, no conflicts (2 of 4 stars). 3 submissions from 3 submitters: Likely benign (3). Last evaluated 2026-01-04.

Conditions:
PEX6-related disorder. Also called: PEX6-related condition; PEX6-related disorders.
Peroxisome biogenesis disorder. Identifiers: Orphanet 79189, MedGen C1832200, MONDO:0019234. Disease mechanism: loss of function.

Allele frequency attached by ClinVar (database versions not stated): ExAC 0.00002; gnomAD 0.00003 and 0.00004; gnomAD exomes 0.00003; TOPMed 0.00003.
gnomAD v4.1: 27 of 1,612,918 alleles (0.0017%); highest among the groups gnomAD compares: Admixed American, 0.0067%; no homozygotes.

Submissions (3):

Labcorp Genetics (formerly Invitae), Labcorp
Classification: Likely benign for Peroxisome biogenesis disorder. Last evaluated: 2026-01-04. Review status: criteria provided, single submitter. Criteria: Invitae Variant Classification Sherloc (09022015). Collection method: clinical testing. Allele origin: germline.

PreventionGenetics, part of Exact Sciences
Classification: Likely benign for PEX6-related condition. Last evaluated: 2024-10-15. Review status: criteria provided, single submitter. Criteria: ACMG Guidelines, 2015. Collection method: clinical testing. Allele origin: germline.
Comment: This variant is classified as likely benign based on ACMG/AMP sequence variant interpretation guidelines (Richards et al. 2015 PMID: 25741868, with internal and published modifications).

Blueprint Genetics
Classification: Likely benign. Last evaluated: 2024-05-28. Review status: criteria provided, single submitter. Criteria: ACMG Guidelines, 2015. Collection method: clinical testing. Allele origin: germline.

NM_000287.4(PEX6):c.903C>T (p.Ile301=)

Gene: PEX6 (peroxisomal biogenesis factor 6; minus strand). Cytogenetic location: 6p21.1.
Variant type: single nucleotide variant.
Coding change: c.903C>T on transcript NM_000287.4 (MANE Select); coding-DNA position 903, C replaced by T.
Protein change: p.Ile301=; no amino-acid change (isoleucine 301 retained).
Molecular consequence: synonymous variant. On other transcripts: non-coding transcript variant (1).
Genome position (GRCh38, 1-based): chr6:42,975,018, G>A on the plus strand (C>T on the coding strand, the complement: PEX6 is on the minus strand). VCF-style: chr6-42975018-G-A. GRCh37 (hg19) VCF-style: chr6-42942756-G-A.
Other names: c.903C>T (NM_000287.3); c.639C>T, p.Ile213= (NM_001316313.2).
Identifiers: ClinVar variation 1097020 (VCV001097020.11), dbSNP rs772083436, ClinGen allele CA3811512.
Genomic context (GRCh38, chr6:42,975,018, plus strand): 5'-TAACTCTCTGGCAAATGGAGGCCCAGGCAGCAATGAGCAGCTTCCTTTGTCTTCAGGGGC[G>A]ATGGAGCCTTCCAAGTACCTCTATTAGAGAAATAACCACCACGTTATAACCTTCTCCTAA-3'
Protein context (NP_000278.3, residues 291-311): LRIQRYLEGS[Ile301=]APEDKGSCSL